The following is an entry in ClinVar:

NM_032635.4(TMEM147):c.496C>T (p.Arg166Trp)

Gene: TMEM147 (transmembrane protein 147; plus strand). Cytogenetic location: 19q13.12.
Variant type: single nucleotide variant.
Coding change: c.496C>T on transcript NM_032635.4 (MANE Select); coding-DNA position 496, C replaced by T.
Protein change: p.Arg166Trp; replaces arginine 166 with tryptophan.
Molecular consequence: missense variant.
Genome position (GRCh38, 1-based): chr19:35,547,185, C>T. VCF-style: chr19-35547185-C-T. GRCh37 (hg19) VCF-style: chr19-36038087-C-T.
Other names: c.349C>T, p.Arg117Trp (NM_001242597.2); c.274C>T, p.Arg92Trp (NM_001242598.2); c.496C>T, p.Arg166Trp (NM_006326.1); c.349C>T (NM_001242597.1); short protein forms R117W, R166W, R92W.
Identifiers: ClinVar variation 1708027 (VCV001708027.5), dbSNP rs771380575, ClinGen allele CA9380492.

ClinVar aggregate classification (germline): Pathogenic/Likely pathogenic. Review status: criteria provided, multiple submitters, no conflicts (2 of 4 stars). 3 submissions from 3 submitters: Pathogenic (1); Likely pathogenic (1). 1 of the submissions does not count toward it. Last evaluated 2026-10-08.

Conditions:
Neurodevelopmental disorder with facial dysmorphism, absent language, and pseudo-pelger-huet anomaly. Identifiers: Orphanet 698085, MedGen C5774232, MONDO:0859298, OMIM 620075.

Allele frequency attached by ClinVar (database versions not stated): ExAC 0.00002.

Submissions (3):

GeneDx
Classification: Likely pathogenic. Last evaluated: 2026-10-08. Review status: criteria provided, single submitter. Criteria: GeneDx Variant Classification Process June 2021. Collection method: clinical testing. Allele origin: germline.
Comment: Published functional studies demonstrate a damaging effect: decreased TMEM147 expression and dysfunction of the endoplasmic reticulum and nuclear envelope (PMID: 36044892); In silico analysis supports that this missense variant has a deleterious effect on protein structure/function; This variant is associated with the following publications: (PMID: 36044892)

Equipe Genetique des Anomalies du Developpement, Université de Bourgogne
Classification: Pathogenic for Neurodevelopmental disorder with facial dysmorphism, absent language, and pseudo-pelger-huet anomaly. Review status: criteria provided, single submitter. Criteria: ACMG Guidelines, 2015. Collection method: clinical testing. Allele origin: paternal. Inheritance: Autosomal recessive inheritance. Affected: yes.

OMIM
Classification: Pathogenic for NEURODEVELOPMENTAL DISORDER WITH FACIAL DYSMORPHISM, ABSENT LANGUAGE, AND PSEUDO-PELGER-HUET ANOMALY. Last evaluated: 2022-10-19. Review status: no assertion criteria provided. Collection method: literature only. Allele origin: germline. Not counted in ClinVar's aggregate classification.

Literature cited by the submitters: PubMed 36044892 (cited by Equipe Genetique des Anomalies du Developpement, Université de Bourgogne and OMIM).